The following is an entry in ClinVar:

NM_002427.4(MMP13):c.1384G>A (p.Val462Ile)

Gene: MMP13 (matrix metallopeptidase 13; minus strand). Cytogenetic location: 11q22.2.
Variant type: single nucleotide variant.
Coding change: c.1384G>A on transcript NM_002427.4 (MANE Select); coding-DNA position 1384, G replaced by A.
Protein change: p.Val462Ile; replaces valine 462 with isoleucine.
Molecular consequence: missense variant.
Genome position (GRCh38, 1-based): chr11:102,944,298, C>T on the plus strand (G>A on the coding strand, the complement: MMP13 is on the minus strand). VCF-style: chr11-102944298-C-T. GRCh37 (hg19) VCF-style: chr11-102815027-C-T.
Other names: short protein forms V462I.
Identifiers: ClinVar variation 1445998 (VCV001445998.31), dbSNP rs781966264, ClinGen allele CA6251667.

ClinVar aggregate classification (germline): Conflicting classifications of pathogenicity. Review status: criteria provided, conflicting classifications (1 of 4 stars). 4 submissions from 4 submitters: Uncertain significance (3); Likely benign (1). Last evaluated 2024-09-23.

Conditions:
Intellectual disability. Also called: intellectual disabilities; Intellectual functioning disability; Intellectual developmental disorder. Identifiers: MedGen C3714756, MeSH D008607, MONDO:0001071, HP:0001249.
Metaphyseal chondrodysplasia, Spahr type (MDST). Identifiers: Orphanet 2501, MedGen C0432225, MONDO:0009597, OMIM 250400.
Spondyloepimetaphyseal dysplasia, Missouri type. Identifiers: Orphanet 1040, Orphanet 93356, MedGen C1865832, MONDO:0011198, OMIM 602111.

Allele frequency attached by ClinVar (database versions not stated): ExAC 0.00002; gnomAD exomes 0.00004 and 0.00009; TOPMed 0.00005; gnomAD 0.00007 and 0.00009.
gnomAD v4.1: 146 of 1,612,990 alleles (0.0091%); highest among the groups gnomAD compares: Middle Eastern, 0.016%; no homozygotes.

Submissions (4):

Labcorp Genetics (formerly Invitae), Labcorp
Classification: Uncertain significance. Last evaluated: 2024-09-23. Review status: criteria provided, single submitter. Criteria: Invitae Variant Classification Sherloc (09022015). Collection method: clinical testing. Allele origin: germline.
Comment: This sequence change replaces valine, which is neutral and non-polar, with isoleucine, which is neutral and non-polar, at codon 462 of the MMP13 protein (p.Val462Ile). The frequency data for this variant in the population databases is considered unreliable, as metrics indicate poor data quality at this position in the gnomAD database. This variant has not been reported in the literature in individuals affected with MMP13-related conditions. ClinVar contains an entry for this variant (Variation ID: 1445998). Invitae Evidence Modeling of protein sequence and biophysical properties (such as structural, functional, and spatial information, amino acid conservation, physicochemical variation, residue mobility, and thermodynamic stability) indicates that this missense variant is not expected to disrupt MMP13 protein function with a negative predictive value of 80%. In summary, the available evidence is currently insufficient to determine the role of this variant in disease. Therefore, it has been classified as a Variant of Uncertain Significance.

CeGaT Center for Human Genetics Tuebingen
Classification: Uncertain significance. Last evaluated: 2024-03-01. Review status: criteria provided, single submitter. Criteria: CeGaT Center For Human Genetics Tuebingen Variant Classification Criteria Version 2. Collection method: clinical testing. Allele origin: germline. Affected: yes. Observed: 1 variant allele.
Comment: MMP13: PM2, BP4

Department of Pathology and Laboratory Medicine, Sinai Health System
Classification: Uncertain significance for Metaphyseal chondrodysplasia, Spahr type; Spondyloepimetaphyseal dysplasia, Missouri type. Last evaluated: 2022-03-09. Review status: criteria provided, single submitter. Criteria: ACMG Guidelines, 2015. Collection method: research. Allele origin: germline.

Cambridge Genomics Laboratory, East Genomic Laboratory Hub, NHS Genomic Medicine Service
Classification: Likely benign for Intellectual disability. Last evaluated: 2019-12-03. Review status: criteria provided, single submitter. Criteria: ACGS Best Practice Guidelines for Variant Classification in Rare Disease 2020. Collection method: clinical testing. Allele origin: germline. Affected: yes. Observed: 1 variant allele.